The following is an entry in ClinVar:

ClinVar aggregate classification (germline): Uncertain significance. Review status: criteria provided, multiple submitters, no conflicts (2 of 4 stars). 2 submissions from 2 submitters: Uncertain significance (2). Last evaluated 2024-06-05.

Conditions:
Acromesomelic dysplasia 3 (AMD3). Also called: CHONDRODYSPLASIA, ACROMESOMELIC, WITH OR WITHOUT GENITAL ANOMALIES; Acromesomelic dysplasia, Demirhan type. Identifiers: MedGen C4225404, MONDO:0012274, OMIM 609441.
Type A2 brachydactyly (BDA2). Also called: Brachymesophalangy type 2; BRACHYMESOPHALANGY II; MOHR-WRIEDT TYPE BRACHYDACTYLY. Identifiers: Orphanet 93396, MedGen C1832702, MONDO:0007216, OMIM 112600, HP:0009372.

Allele frequency attached by ClinVar (database versions not stated): TOPMed below 0.00001; gnomAD 0.00001; gnomAD exomes 0.00002.
gnomAD v4.1: 15 of 1,613,872 alleles (0.00093%); highest among the groups gnomAD compares: African/African-American, 0.0013%; no homozygotes.

Submissions (2):

Blueprint Genetics
Classification: Uncertain significance. Last evaluated: 2024-06-05. Review status: criteria provided, single submitter. Criteria: ACMG Guidelines, 2015. Collection method: clinical testing. Allele origin: germline.

Labcorp Genetics (formerly Invitae), Labcorp
Classification: Uncertain significance for Type A2 brachydactyly; Acromesomelic dysplasia 3. Last evaluated: 2022-05-04. Review status: criteria provided, single submitter. Criteria: Invitae Variant Classification Sherloc (09022015). Collection method: clinical testing. Allele origin: germline.
Comment: This sequence change replaces lysine, which is basic and polar, with asparagine, which is neutral and polar, at codon 341 of the BMPR1B protein (p.Lys341Asn). In summary, the available evidence is currently insufficient to determine the role of this variant in disease. Therefore, it has been classified as a Variant of Uncertain Significance. Advanced modeling of protein sequence and biophysical properties (such as structural, functional, and spatial information, amino acid conservation, physicochemical variation, residue mobility, and thermodynamic stability) performed at Invitae indicates that this missense variant is expected to disrupt BMPR1B protein function. This variant has not been reported in the literature in individuals affected with BMPR1B-related conditions. This variant is not present in population databases (gnomAD no frequency).

NM_001203.3(BMPR1B):c.1023G>C (p.Lys341Asn)

Gene: BMPR1B (bone morphogenetic protein receptor type 1B; plus strand). Cytogenetic location: 4q22.3.
Variant type: single nucleotide variant.
Coding change: c.1023G>C on transcript NM_001203.3 (MANE Select); coding-DNA position 1023, G replaced by C.
Protein change: p.Lys341Asn; replaces lysine 341 with asparagine.
Molecular consequence: missense variant.
Genome position (GRCh38, 1-based): chr4:95,131,459, G>C. VCF-style: chr4-95131459-G-C. GRCh37 (hg19) VCF-style: chr4-96052610-G-C.
Other names: c.1023G>C, p.Lys341Asn (NM_001256792.2, NM_001256794.1); c.1113G>C, p.Lys371Asn (NM_001256793.2); short protein forms K341N, K371N.
Identifiers: ClinVar variation 1919397 (VCV001919397.6), dbSNP rs1733354357, ClinGen allele CA357682600.